The following is an entry in ClinVar:

ClinVar aggregate classification (germline): Uncertain significance (1 of 4 stars; one submission).

Conditions:
Retinoblastoma (RB1). Also called: RETINOBLASTOMA, SOMATIC. Identifiers: Orphanet 790, MedGen C0035335, MeSH D012175, MONDO:0008380, OMIM 180200, HP:0009919. Disease mechanism: loss of function. Inheritance: Both sporadic and heritable forms are tested..

Allele frequency attached by ClinVar (database versions not stated): TOPMed below 0.00001; gnomAD 0.00001.
gnomAD v4.1: 1 of 1,613,326 alleles (0.000062%); highest among the groups gnomAD compares: Non-Finnish European, 0.000085%; no homozygotes.

Submission:

Labcorp Genetics (formerly Invitae), Labcorp
Classification: Uncertain significance for Retinoblastoma. Last evaluated: 2018-07-25. Review status: criteria provided, single submitter. Criteria: Invitae Variant Classification Sherloc (09022015). Collection method: clinical testing. Allele origin: germline.
Comment: In summary, the available evidence is currently insufficient to determine the role of this variant in disease. Therefore, it has been classified as a Variant of Uncertain Significance. Algorithms developed to predict the effect of missense changes on protein structure and function are either unavailable or do not agree on the potential impact of this missense change (SIFT: "Deleterious"; PolyPhen-2: "Benign"; Align-GVGD: "Class C15"). This variant has not been reported in the literature in individuals with RB1-related disease. This variant is not present in population databases (ExAC no frequency). This sequence change replaces glutamic acid with lysine at codon 365 of the RB1 protein (p.Glu365Lys). The glutamic acid residue is highly conserved and there is a small physicochemical difference between glutamic acid and lysine.

NM_000321.3(RB1):c.1093G>A (p.Glu365Lys)

Gene: RB1 (RB transcriptional corepressor 1; plus strand). Cytogenetic location: 13q14.2.
Variant type: single nucleotide variant.
Coding change: c.1093G>A on transcript NM_000321.3 (MANE Select); coding-DNA position 1093, G replaced by A.
Protein change: p.Glu365Lys; replaces glutamic acid 365 with lysine.
Molecular consequence: missense variant.
Genome position (GRCh38, 1-based): chr13:48,368,570, G>A. VCF-style: chr13-48368570-G-A. GRCh37 (hg19) VCF-style: chr13-48942706-G-A.
Other names: short protein forms E365K.
Identifiers: ClinVar variation 655435 (VCV000655435.8), dbSNP rs1270702085, ClinGen allele CA388161245.